The following is an entry in ClinVar:

ClinVar aggregate classification (germline): Benign (1 of 4 stars; one submission).

Conditions:
Sessile serrated polyposis cancer syndrome (SSPCS). Identifiers: Orphanet 157798, MedGen C4310714, MONDO:0014919, OMIM 617108.

Submission:

Myriad Genetics, Inc.
Classification: Benign for Sessile serrated polyposis cancer syndrome. Last evaluated: 2026-06-29. Review status: criteria provided, single submitter. Criteria: Myriad Autosomal Dominant, Autosomal Recessive and X-Linked Classification Criteria (2023). Collection method: clinical testing. Allele origin: unknown.
Comment: This variant is considered benign. This variant is a silent/synonymous amino acid change and it is not expected to impact splicing.

NM_017763.6(RNF43):c.300G>A (p.Glu100=)

Gene: RNF43 (ring finger protein 43; minus strand). Cytogenetic location: 17q22.
Variant type: single nucleotide variant.
Coding change: c.300G>A on transcript NM_017763.6 (MANE Select); coding-DNA position 300, G replaced by A.
Protein change: p.Glu100=; no amino-acid change (glutamic acid 100 retained).
Molecular consequence: synonymous variant. On other transcripts: 5 prime UTR variant (2).
Genome position (GRCh38, 1-based): chr17:58,370,986, C>T on the plus strand (G>A on the coding strand, the complement: RNF43 is on the minus strand). VCF-style: chr17-58370986-C-T. GRCh37 (hg19) VCF-style: chr17-56448347-C-T.
Other names: c.300G>A, p.Glu100= (NM_001305544.3, NM_001438820.1, NM_001438821.1 and 1 more transcripts); c.-82G>A (NM_001305545.2, NM_001437987.1).
Identifiers: ClinVar variation 4875799 (VCV004875799.1).